The following is an entry in ClinVar:

NM_016239.4(MYO15A):c.9997C>T (p.Arg3333Trp)

Gene: MYO15A (myosin XVA; plus strand). Cytogenetic location: 17p11.2.
Variant type: single nucleotide variant.
Coding change: c.9997C>T on transcript NM_016239.4 (MANE Select); coding-DNA position 9997, C replaced by T.
Protein change: p.Arg3333Trp; replaces arginine 3333 with tryptophan.
Molecular consequence: missense variant.
Genome position (GRCh38, 1-based): chr17:18,167,638, C>T. VCF-style: chr17-18167638-C-T. GRCh37 (hg19) VCF-style: chr17-18070952-C-T.
Other names: short protein forms R3333W.
Identifiers: ClinVar variation 3161375 (VCV003161375.5), dbSNP rs765670344, ClinGen allele CA8425768.

ClinVar aggregate classification (germline): Uncertain significance. Review status: criteria provided, multiple submitters, no conflicts (2 of 4 stars). 4 submissions from 4 submitters: Uncertain significance (4). Last evaluated 2025-12-02.

Conditions:
Inborn genetic diseases. Identifiers: MedGen C0950123, MeSH D030342.

Allele frequency attached by ClinVar (database versions not stated): TOPMed 0.00001; 1000 Genomes Project 30x 0.00016.
gnomAD v4.1: 74 of 1,604,072 alleles (0.0046%); highest among the groups gnomAD compares: Middle Eastern, 0.15%; no homozygotes.

Submissions (4):

Ambry Genetics
Classification: Uncertain significance for Inborn genetic diseases. Last evaluated: 2025-12-02. Review status: criteria provided, single submitter. Criteria: Ambry Variant Classification Scheme 2023. Collection method: clinical testing. Allele origin: germline.

Labcorp Genetics (formerly Invitae), Labcorp
Classification: Uncertain significance. Last evaluated: 2025-09-26. Review status: criteria provided, single submitter. Criteria: Invitae Variant Classification Sherloc (09022015). Collection method: clinical testing. Allele origin: germline.
Comment: This sequence change replaces arginine, which is basic and polar, with tryptophan, which is neutral and slightly polar, at codon 3333 of the MYO15A protein (p.Arg3333Trp). This variant is present in population databases (rs765670344, gnomAD 0.007%). This variant has not been reported in the literature in individuals affected with MYO15A-related conditions. ClinVar contains an entry for this variant (Variation ID: 3161375). Invitae Evidence Modeling of protein sequence and biophysical properties (such as structural, functional, and spatial information, amino acid conservation, physicochemical variation, residue mobility, and thermodynamic stability) indicates that this missense variant is not expected to disrupt MYO15A protein function with a negative predictive value of 95%. In summary, the available evidence is currently insufficient to determine the role of this variant in disease. Therefore, it has been classified as a Variant of Uncertain Significance.

Blueprint Genetics
Classification: Uncertain significance. Last evaluated: 2024-11-22. Review status: criteria provided, single submitter. Criteria: ACMG Guidelines, 2015. Collection method: clinical testing. Allele origin: germline.

GeneDx
Classification: Uncertain significance. Last evaluated: 2024-11-21. Review status: criteria provided, single submitter. Criteria: GeneDx Variant Classification Process June 2021. Collection method: clinical testing. Allele origin: germline. Affected: yes.
Comment: Not observed at significant frequency in large population cohorts (gnomAD); In silico analysis supports that this missense variant has a deleterious effect on protein structure/function; Has not been previously published as pathogenic or benign to our knowledge